The following is an entry in ClinVar:

NM_005045.4(RELN):c.9924C>T (p.Tyr3308=)

Genes: SLC26A5-AS1 (SLC26A5 antisense RNA 1; plus strand), RELN (reelin; minus strand). Cytogenetic location: 7q22.1.
Variant type: single nucleotide variant.
Coding change: c.9924C>T on transcript NM_005045.4 (MANE Select); coding-DNA position 9924, C replaced by T.
Protein change: p.Tyr3308=; no amino-acid change (tyrosine 3308 retained).
Molecular consequence: synonymous variant.
Genome position (GRCh38, 1-based): chr7:103,486,256, G>A on the plus strand (C>T on the coding strand, the complement: RELN is on the minus strand). VCF-style: chr7-103486256-G-A. GRCh37 (hg19) VCF-style: chr7-103126703-G-A.
Other names: c.9924C>T, p.Tyr3308= (NM_173054.3); c.9924C>T (NM_005045.3).
Identifiers: ClinVar variation 1114255 (VCV001114255.11), dbSNP rs772582250, ClinGen allele CA4420098.
Genomic context (GRCh38, chr7:103,486,256, plus strand): 5'-CCTTGCTCGAGTGAGATCCAGAGGCTTGGTAGCTGCTTGCCTGATCTGACAGCCATTAAA[G>A]TACAGTGAGTCTCCATGGGCGTAGGGGGCCAGCTGCCCACAGCCACTTCCTATGACTCCA-3'
Protein context (NP_005036.2, residues 3298-3318): LAPYAHGDSL[Tyr3308=]FNGCQIRQAA

ClinVar aggregate classification (germline): Likely benign. Review status: criteria provided, single submitter (1 of 4 stars). 2 submissions from 2 submitters: Likely benign (1). 1 of the submissions does not count toward it. Last evaluated 2023-04-27.

Conditions:
Norman-Roberts syndrome (LIS2). Also called: Lissencephaly 2 (Norman-Roberts type). Identifiers: Orphanet 89844, MedGen C0796089, MONDO:0009760, OMIM 257320.
Familial temporal lobe epilepsy 7. Identifiers: Orphanet 101046, MedGen C4225327, MONDO:0014639, OMIM 616436.
RELN-related disorder. Also called: RELN-related condition.

Allele frequency attached by ClinVar (database versions not stated): gnomAD 0.00001; gnomAD exomes 0.00001 and 0.00002; ExAC 0.00002; TOPMed 0.00003.

Submissions (2):

Labcorp Genetics (formerly Invitae), Labcorp
Classification: Likely benign for Familial temporal lobe epilepsy 7; Norman-Roberts syndrome. Last evaluated: 2023-04-27. Review status: criteria provided, single submitter. Criteria: Invitae Variant Classification Sherloc (09022015). Collection method: clinical testing. Allele origin: germline.

PreventionGenetics, part of Exact Sciences
Classification: Likely benign for RELN-related condition. Last evaluated: 2019-08-12. Review status: no assertion criteria provided. Collection method: clinical testing. Allele origin: germline. Not counted in ClinVar's aggregate classification.
Comment: This variant is classified as likely benign based on ACMG/AMP sequence variant interpretation guidelines (Richards et al. 2015 PMID: 25741868, with internal and published modifications).